The following is an entry in ClinVar:

ClinVar aggregate classification (germline): Uncertain significance (1 of 4 stars; one submission).

Submission:

GeneDx
Classification: Uncertain significance. Last evaluated: 2026-10-05. Review status: criteria provided, single submitter. Criteria: GeneDx Variant Classification Process June 2021. Collection method: clinical testing. Allele origin: germline.
Comment: Not observed at significant frequency in large population cohorts (gnomAD); In silico analysis supports that this missense variant has a deleterious effect on protein structure/function; Has not been previously published as pathogenic or benign to our knowledge

NM_006445.4(PRPF8):c.1612T>C (p.Ser538Pro)

Gene: PRPF8 (pre-mRNA processing factor 8; minus strand). Cytogenetic location: 17p13.3.
Variant type: single nucleotide variant.
Coding change: c.1612T>C on transcript NM_006445.4 (MANE Select); coding-DNA position 1612, T replaced by C.
Protein change: p.Ser538Pro; replaces serine 538 with proline.
Molecular consequence: missense variant.
Genome position (GRCh38, 1-based): chr17:1,678,869, A>G on the plus strand (T>C on the coding strand, the complement: PRPF8 is on the minus strand). VCF-style: chr17-1678869-A-G. GRCh37 (hg19) VCF-style: chr17-1582163-A-G.
Other names: short protein forms S538P.
Identifiers: ClinVar variation 2662355 (VCV002662355.2), dbSNP rs1453696856, ClinGen allele CA397559800.